The following is an entry in ClinVar:

ClinVar aggregate classification (germline): Likely benign (0 of 4 stars; one submission).

Conditions:
SLC24A1-related disorder. Also called: SLC24A1-related condition.

Allele frequency attached by ClinVar (database versions not stated): gnomAD 0.00001; gnomAD exomes 0.00001.
gnomAD v4.1: 6 of 1,611,766 alleles (0.00037%); highest among the groups gnomAD compares: East Asian, 0.013%; no homozygotes.

Submission:

PreventionGenetics, part of Exact Sciences
Classification: Likely benign for SLC24A1-related condition. Last evaluated: 2019-07-04. Review status: no assertion criteria provided. Collection method: clinical testing. Allele origin: germline.
Comment: This variant is classified as likely benign based on ACMG/AMP sequence variant interpretation guidelines (Richards et al. 2015 PMID: 25741868, with internal and published modifications).

NM_004727.3(SLC24A1):c.3015C>T (p.Ser1005=)

Gene: SLC24A1 (solute carrier family 24 member 1; plus strand). Cytogenetic location: 15q22.31.
Variant type: single nucleotide variant.
Coding change: c.3015C>T on transcript NM_004727.3 (MANE Select); coding-DNA position 3015, C replaced by T.
Protein change: p.Ser1005=; no amino-acid change (serine 1005 retained).
Molecular consequence: synonymous variant.
Genome position (GRCh38, 1-based): chr15:65,652,773, C>T. VCF-style: chr15-65652773-C-T. GRCh37 (hg19) VCF-style: chr15-65945111-C-T.
Other names: c.996C>T, p.Ser332= (NM_001254740.2); c.2925C>T, p.Ser975= (NM_001301031.1); c.2961C>T, p.Ser987= (NM_001301032.1, NM_001301033.2); c.2673C>T, p.Ser891= (NM_001411142.1).
Identifiers: ClinVar variation 3033223 (VCV003033223.2), dbSNP rs1342161582, ClinGen allele CA490844071.